The following is an entry in ClinVar:

NM_001018005.2(TPM1):c.253G>T (p.Val85Leu)

Gene: TPM1 (tropomyosin 1; plus strand). Cytogenetic location: 15q22.2.
Variant type: single nucleotide variant.
Coding change: c.253G>T on transcript NM_001018005.2 (MANE Select); coding-DNA position 253, G replaced by T.
Protein change: p.Val85Leu; replaces valine 85 with leucine.
Molecular consequence: missense variant.
Genome position (GRCh38, 1-based): chr15:63,056,997, G>T. VCF-style: chr15-63056997-G-T. GRCh37 (hg19) VCF-style: chr15-63349196-G-T.
Other names: c.253G>T, p.Val85Leu (NM_000366.6, NM_001018004.2, NM_001018006.2 and 6 more transcripts); c.145G>T, p.Val49Leu (NM_001018008.2, NM_001301289.2, NM_001330344.2 and 5 more transcripts); c.379G>T, p.Val127Leu (NM_001365778.1); short protein forms V85L, V49L, V127L.
Identifiers: ClinVar variation 454417 (VCV000454417.17), dbSNP rs730881156, ClinGen allele CA392720624.

ClinVar aggregate classification (germline): Uncertain significance. Review status: criteria provided, multiple submitters, no conflicts (2 of 4 stars). 4 submissions from 4 submitters: Uncertain significance (4). Last evaluated 2025-12-11.

Conditions:
Hypertrophic cardiomyopathy. Also called: HYPERTROPHIC MYOCARDIOPATHY. Identifiers: Orphanet 217569, MedGen C0007194, MeSH D002312, MONDO:0005045, HP:0001639.

Submissions (4):

GeneDx
Classification: Uncertain significance. Last evaluated: 2025-12-11. Review status: criteria provided, single submitter. Criteria: GeneDx Variant Classification Process June 2021. Collection method: clinical testing. Allele origin: germline. Affected: yes.
Comment: Not observed at significant frequency in large population cohorts (gnomAD); In silico analysis supports that this missense variant has a deleterious effect on protein structure/function; Has not been previously published as pathogenic or benign to our knowledge

Labcorp Genetics (formerly Invitae), Labcorp
Classification: Uncertain significance for Hypertrophic cardiomyopathy. Last evaluated: 2024-09-10. Review status: criteria provided, single submitter. Criteria: Invitae Variant Classification Sherloc (09022015). Collection method: clinical testing. Allele origin: germline.
Comment: This sequence change replaces valine, which is neutral and non-polar, with leucine, which is neutral and non-polar, at codon 85 of the TPM1 protein (p.Val85Leu). This variant is not present in population databases (gnomAD no frequency). This missense change has been observed in individual(s) with dilated cardiomyopathy (internal data). ClinVar contains an entry for this variant (Variation ID: 454417). An algorithm developed to predict the effect of missense changes on protein structure and function (PolyPhen-2) suggests that this variant is likely to be disruptive. This variant disrupts the p.Val85 amino acid residue in TPM1. Other variant(s) that disrupt this residue have been observed in individuals with TPM1-related conditions (PMID: 29121657), which suggests that this may be a clinically significant amino acid residue. In summary, the available evidence is currently insufficient to determine the role of this variant in disease. Therefore, it has been classified as a Variant of Uncertain Significance.

Women's Health and Genetics/Laboratory Corporation of America, LabCorp
Classification: Uncertain significance. Last evaluated: 2019-10-29. Review status: criteria provided, single submitter. Criteria: LabCorp Variant Classification Summary - May 2015. Collection method: clinical testing. Allele origin: germline.
Comment: Variant summary: TPM1 c.253G>T (p.Val85Leu) results in a conservative amino acid change in the encoded protein sequence. Three of five in-silico tools predict a benign effect of the variant on protein function. The variant was absent in 251460 control chromosomes. The available data on variant occurrences in the general population are insufficient to allow any conclusion about variant significance. To our knowledge, no occurrence of c.253G>T in individuals affected with Cardiomyopathy and no experimental evidence demonstrating its impact on protein function have been reported. Two clinical diagnostic laboratories have submitted clinical-significance assessments for this variant to ClinVar after 2014 and classified the variant as uncertain significance. Based on the evidence outlined above, the variant was classified as uncertain significance.

Stanford Center for Inherited Cardiovascular Disease, Stanford University
Classification: Uncertain significance. Last evaluated: 2017-05-08. Review status: criteria provided, single submitter. Criteria: ACMG Guidelines, 2015. Collection method: provider interpretation. Allele origin: germline.

Literature cited by the submitters: PubMed 29121657 (cited by Labcorp Genetics (formerly Invitae), Labcorp).